The following is an entry in ClinVar:

NM_000213.5(ITGB4):c.3271_3277dup (p.Gly1093fs)

Gene: ITGB4 (integrin subunit beta 4; plus strand). Cytogenetic location: 17q25.1.
Variant type: Duplication.
Coding change: c.3271_3277dup on transcript NM_000213.5 (MANE Select); coding-DNA positions 3271 to 3277, 7 bases duplicated (CACCTGG; older notation c.3271_3277dupCACCTGG).
Protein change: p.Gly1093fs; shifts the reading frame from glycine 1093.
Molecular consequence: frameshift variant.
Genome position (GRCh38, 1-based): chr17:75,749,000-75,749,006, CACCTGG duplicated. VCF-style (leftmost placement, unchanged base first): chr17-75748999-C-CCACCTGG. GRCh37 (hg19) VCF-style: chr17-73745080-C-CCACCTGG.
Other names: c.3271_3277dup, p.Gly1093Alafs (NM_001005619.2); c.3271_3277dup, p.Gly1093fs (NM_001005731.3, NM_001321123.2); short protein forms G1093fs.
Identifiers: ClinVar variation 3001294 (VCV003001294.3), dbSNP rs1228369630, ClinGen allele CA627596294.

ClinVar aggregate classification (germline): Pathogenic (1 of 4 stars; one submission).

Allele frequency attached by ClinVar (database versions not stated): gnomAD 0.00001; TOPMed 0.00001; gnomAD exomes 0.00006.

Submission:

Labcorp Genetics (formerly Invitae), Labcorp
Classification: Pathogenic. Last evaluated: 2025-02-27. Review status: criteria provided, single submitter. Criteria: Invitae Variant Classification Sherloc (09022015). Collection method: clinical testing. Allele origin: germline.
Comment: This sequence change creates a premature translational stop signal (p.Gly1093Alafs*17) in the ITGB4 gene. It is expected to result in an absent or disrupted protein product. Loss-of-function variants in ITGB4 are known to be pathogenic (PMID: 11328943, 16473856). This variant is present in population databases (no rsID available, gnomAD 0.0009%). This variant has not been reported in the literature in individuals affected with ITGB4-related conditions. ClinVar contains an entry for this variant (Variation ID: 3001294). For these reasons, this variant has been classified as Pathogenic.

Literature cited by the submitters: PubMed 11328943; PubMed 16473856.